The following is an entry in ClinVar:

ClinVar aggregate classification (germline): Benign. Review status: criteria provided, single submitter (1 of 4 stars). 2 submissions from 2 submitters: Benign (1). 1 of the submissions does not count toward it. Last evaluated 2015-03-03.

Conditions:
Familial colorectal cancer. Identifiers: MedGen CN280943, MONDO:0023113. Disease mechanism: loss of function.

Allele frequency attached by ClinVar (database versions not stated): gnomAD 0.00237 and 0.00322; TOPMed 0.00406; 1000 Genomes Project 30x 0.01405; 1000 Genomes Project 0.01617.
gnomAD v4.1: 2,735 of 925,888 alleles (0.3%); highest among the groups gnomAD compares: East Asian, 6.2%; 84 homozygotes.

Submissions (2):

GeneDx
Classification: Benign. Last evaluated: 2015-03-03. Review status: criteria provided, single submitter. Criteria: GeneDx Variant Classification Process June 2021. Collection method: clinical testing. Allele origin: germline. Affected: yes.

Systems Biology Platform Zhejiang California International NanoSystems Institute
Classification: other for Familial colorectal cancer. Review status: no assertion criteria provided. Collection method: not provided. Allele origin: unknown. Not counted in ClinVar's aggregate classification.
ClinVar note: Converted during submission from cancer to other.

NM_000038.6(APC):c.729+88T>C

Gene: APC (APC regulator of WNT signaling pathway; plus strand). Cytogenetic location: 5q22.2.
Variant type: single nucleotide variant.
Coding change: c.729+88T>C on transcript NM_000038.6 (MANE Select); 88 bases into the intron after coding-DNA position 729, T replaced by C.
Molecular consequence: intron variant.
Genome position (GRCh38, 1-based): chr5:112,792,617, T>C. VCF-style: chr5-112792617-T-C. GRCh37 (hg19) VCF-style: chr5-112128314-T-C.
Other names: c.729+88T>C (NM_001354895.2, NM_001127510.3, NM_001354896.2 and 1 more transcripts); c.759+88T>C (NM_001354897.2, NM_001354902.2); c.676-8662T>C (NM_001127511.3); c.654+88T>C (NM_001354898.2, NM_001354904.2); c.-307+88T>C (NM_001354906.2); c.646-8662T>C (NM_001354899.2); c.552+88T>C (NM_001354900.2, NM_001354901.2, NM_001354905.2).
Identifiers: ClinVar variation 82480 (VCV000082480.4), dbSNP rs79627325, ClinGen allele CA013238.